The following is an entry in ClinVar:

NM_000059.4(BRCA2):c.9323_9324insATTA (p.Asp3108fs)

Gene: BRCA2 (BRCA2 DNA repair associated; plus strand). Cytogenetic location: 13q13.1.
Variant type: Insertion.
Coding change: c.9323_9324insATTA on transcript NM_000059.4 (MANE Select); coding-DNA positions 9323 to 9324, ATTA inserted.
Protein change: p.Asp3108fs; shifts the reading frame from aspartic acid 3108.
Molecular consequence: frameshift variant.
Genome position: GRCh38 VCF-style: chr13-32394754-G-GAATT. GRCh37 (hg19) VCF-style: chr13-32968891-G-GAATT.
Other names: short protein forms D3108fs.
Identifiers: ClinVar variation 548356 (VCV000548356.1), dbSNP rs1555289525, ClinGen allele CA658823571.

ClinVar aggregate classification (germline): Pathogenic (3 of 4 stars; one submission).

Conditions:
Breast-ovarian cancer, familial, susceptibility to, 2 (BROVCA2). Also called: BRCA2 Hereditary Breast and Ovarian Cancer. Identifiers: Orphanet 145, MedGen C2675520, MONDO:0012933, OMIM 612555. Disease mechanism: loss of function.

Submission:

Evidence-based Network for the Interpretation of Germline Mutant Alleles (ENIGMA)
Classification: Pathogenic for Breast-ovarian cancer, familial, susceptibility to, 2. Last evaluated: 2017-12-15. Review status: reviewed by expert panel. Criteria: ENIGMA BRCA1/2 Classification Criteria (2017-06-29). Collection method: curation. Allele origin: germline. Study: ENIGMA.
Comment: Variant allele predicted to encode a truncated non-functional protein.